The following is an entry in ClinVar:

NM_170731.5(BDNF):c.3+20368T>C

Gene: BDNF (brain derived neurotrophic factor; minus strand). Cytogenetic location: 11p14.1.
Variant type: single nucleotide variant.
Coding change: c.3+20368T>C on transcript NM_170731.5; 20368 bases into the intron after coding-DNA position 3, T replaced by C.
Molecular consequence: intron variant. On other transcripts: 5 prime UTR variant (4).
Genome position (GRCh38, 1-based): chr11:27,701,044, A>G on the plus strand (T>C on the coding strand, the complement: BDNF is on the minus strand). VCF-style: chr11-27701044-A-G. GRCh37 (hg19) VCF-style: chr11-27722591-A-G.
Other names: c.-85T>C (NM_001143808.2); c.-8T>C (NM_001143809.2); c.-132T>C (NM_001143810.2); c.-495T>C (NM_001143811.2); c.-22+19600T>C (NM_001143805.1); c.-22+19385T>C (NM_001143806.1); c.-22+19302T>C (NM_170732.4); c.-22+18467T>C (NM_001143807.2); and 1 more.
Identifiers: ClinVar variation 3353857 (VCV003353857.1).

ClinVar aggregate classification (germline): Likely benign (0 of 4 stars; one submission).

Conditions:
BDNF-related disorder. Also called: BDNF-related condition.

gnomAD v4.1: 17 of 1,356,428 alleles (0.0013%); highest among the groups gnomAD compares: South Asian, 0.0035%; no homozygotes.

Submission:

PreventionGenetics, part of Exact Sciences
Classification: Likely benign for BDNF-related condition. Last evaluated: 2021-07-26. Review status: no assertion criteria provided. Collection method: clinical testing. Allele origin: germline.
Comment: This variant is classified as likely benign based on ACMG/AMP sequence variant interpretation guidelines (Richards et al. 2015 PMID: 25741868, with internal and published modifications).